The following is an entry in ClinVar:

NM_177438.3(DICER1):c.5316T>C (p.Phe1772=)

Gene: DICER1 (dicer 1, ribonuclease III; minus strand). Cytogenetic location: 14q32.13.
Variant type: single nucleotide variant.
Coding change: c.5316T>C on transcript NM_177438.3 (MANE Select); coding-DNA position 5316, T replaced by C.
Protein change: p.Phe1772=; no amino-acid change (phenylalanine 1772 retained).
Molecular consequence: synonymous variant.
Genome position (GRCh38, 1-based): chr14:95,093,936, A>G on the plus strand (T>C on the coding strand, the complement: DICER1 is on the minus strand). VCF-style: chr14-95093936-A-G. GRCh37 (hg19) VCF-style: chr14-95560273-A-G.
Other names: c.5316T>C, p.Phe1772= (NM_001195573.1, NM_001271282.3, NM_001291628.2 and 1 more transcripts).
Identifiers: ClinVar variation 543687 (VCV000543687.13), dbSNP rs1555366698, ClinGen allele CA487843761.
Genomic context (GRCh38, chr14:95,093,936, plus strand): 5'-AACAGCACTAACCTCAGAATCCATTCCTTGCATTTCATTCTTCTCAAGCTGAAACTGCAC[A>G]AAGTCATCAATGACATGGAAGAGCTCAGGAGAGACAGCTTTGAAGTACTTGTGGTAGTCG-3'
Protein context (NP_803187.1, residues 1762-1782): SPELFHVIDD[Phe1772=]VQFQLEKNEM

ClinVar aggregate classification (germline): Benign/Likely benign. Review status: criteria provided, multiple submitters, no conflicts (2 of 4 stars). 3 submissions from 3 submitters: Benign (1); Likely benign (2). Last evaluated 2026-08-19.

Conditions:
Hereditary cancer-predisposing syndrome. Also called: Tumor predisposition; Neoplastic Syndromes, Hereditary; Hereditary Cancer Syndrome; Hereditary neoplastic syndrome. Identifiers: Orphanet 140162, MedGen C0027672, MeSH D009386, MONDO:0015356.
DICER1-related tumor predisposition. Also called: DICER1 syndrome; DICER1-related pleuropulmonary blastoma cancer predisposition syndrome. Identifiers: Orphanet 284343, MedGen C3839822, MONDO:0100216.

Allele frequency attached by ClinVar (database versions not stated): gnomAD exomes below 0.00001; TOPMed below 0.00001.
gnomAD v4.1: 2 of 1,614,212 alleles (0.00012%); highest among the groups gnomAD compares: African/African-American, 0.0013%; no homozygotes.

Submissions (3):

Myriad Genetics, Inc.
Classification: Benign for DICER1-related tumor predisposition. Last evaluated: 2026-08-19. Review status: criteria provided, single submitter. Criteria: Myriad Autosomal Dominant, Autosomal Recessive and X-Linked Classification Criteria (2023). Collection method: clinical testing. Allele origin: unknown.
Comment: This variant is considered benign. This variant is a silent/synonymous amino acid change and it is not expected to impact splicing.

Labcorp Genetics (formerly Invitae), Labcorp
Classification: Likely benign for DICER1-related tumor predisposition. Last evaluated: 2025-08-13. Review status: criteria provided, single submitter. Criteria: Invitae Variant Classification Sherloc (09022015). Collection method: clinical testing. Allele origin: germline.

Ambry Genetics
Classification: Likely benign for Hereditary cancer-predisposing syndrome. Last evaluated: 2021-04-19. Review status: criteria provided, single submitter. Criteria: Ambry Variant Classification Scheme 2023. Collection method: clinical testing. Allele origin: germline.